The following is an entry in ClinVar:

ClinVar aggregate classification (germline): Uncertain significance (1 of 4 stars; one submission).

Conditions:
Inborn genetic diseases. Identifiers: MedGen C0950123, MeSH D030342.

gnomAD v4.1: 2 of 1,612,618 alleles (0.00012%); highest among the groups gnomAD compares: Non-Finnish European, 0.00017%; no homozygotes.

Submission:

Ambry Genetics
Classification: Uncertain significance for Inborn genetic diseases. Last evaluated: 2025-04-12. Review status: criteria provided, single submitter. Criteria: Ambry Variant Classification Scheme 2023. Collection method: clinical testing. Allele origin: germline.
Comment: The p.T419K variant (also known as c.1256C>A), located in coding exon 6 of the SH2B3 gene, results from a C to A substitution at nucleotide position 1256. The threonine at codon 419 is replaced by lysine, an amino acid with similar properties. This amino acid position is conserved. In addition, this alteration is predicted to be tolerated by in silico analysis. Based on the available evidence, the clinical significance of this variant remains unclear.

NM_005475.3(SH2B3):c.1256C>A (p.Thr419Lys)

Gene: SH2B3 (SH2B adaptor protein 3; plus strand). Cytogenetic location: 12q24.12.
Variant type: single nucleotide variant.
Coding change: c.1256C>A on transcript NM_005475.3 (MANE Select); coding-DNA position 1256, C replaced by A.
Protein change: p.Thr419Lys; replaces threonine 419 with lysine.
Molecular consequence: missense variant.
Genome position (GRCh38, 1-based): chr12:111,447,675, C>A. VCF-style: chr12-111447675-C-A. GRCh37 (hg19) VCF-style: chr12-111885479-C-A.
Other names: c.650C>A, p.Thr217Lys (NM_001291424.1); short protein forms T419K, T217K.
Identifiers: ClinVar variation 3953440 (VCV003953440.1).